The following is an entry in ClinVar:

ClinVar aggregate classification (germline): Pathogenic. Review status: reviewed by expert panel (3 of 4 stars). 7 submissions from 7 submitters: Pathogenic (1). 6 of the submissions do not count toward it. Last evaluated 2025-08-01.

Conditions:
RPGR-related retinopathy. Also called: RPGR retinopathy. Identifiers: MedGen CN305589, MONDO:0100437.
RPGR-related disorder. Also called: RPGR-related condition.
Primary ciliary dyskinesia. Also called: Ciliary dyskinesia. Identifiers: Orphanet 244, MedGen C0008780, MONDO:0016575, HP:0012265.
Retinitis pigmentosa (RP). Identifiers: Orphanet 791, MedGen C0035334, MeSH D012174, MONDO:0019200, OMIM 268000. Inheritance: Autosomal dominant, autosomal recessive and X linked inheritance.

Submissions (7):

ClinGen X-linked Inherited Retinal Disease Variant Curation Expert Panel, ClinGen
Classification: Pathogenic for RPGR-related retinopathy. Last evaluated: 2025-08-01. Review status: reviewed by expert panel. Criteria: ClinGen X LinkedIRD ACMG Specifications RPGR V1.0.0. Collection method: curation. Allele origin: germline. Inheritance: X-linked inheritance.
Comment: NM_001034853.2(RPGR):c.1243_1244del (p.Arg415GlyfsTer?) is a frameshift variant due to 2-nucleotide deletion within exon 10 of 15 that introduces a premature stop codon and is predicted to trigger nonsense-mediated decay (PVS1). This variant is absent from gnomAD v4.1.0 (PM2_Supporting). The variant has been reported to segregate with retinal dystrophy through 16 affected meioses from 1 family (PP1_Moderate; PMID: 14516808). At least one proband harboring this variant exhibits a phenotype including family history consistent with X-linked inheritance (2 pts) with delayed or milder phenotype in females (1 pt), early onset (1 pt), rod involvement greater than cone (1 pt), high myopia (1 pt), night blindness (0.5 pts), reduced visual acuity (0.5 pts), visual field constriction (0.5), and pigmentary retinopathy (0.5 pts), which together are specific for RPGR-related retinopathy (8 points, PMID: 14516808, PP4). In summary, this variant is classified as pathogenic for RPGR-related retinopathy based on the ClinGen X-linked Inherited Retinal Disease Expert Panel Specifications to the ACMG/AMP Variant Interpretation Guidelines for RPGR Version 1.0.0; PVS1, PM2_Supporting, PP1_Moderate, and PP4. (date of approval 05/16/2025).

Dasa
Classification: Pathogenic. Last evaluated: 2025-03-03. Review status: criteria provided, single submitter. Criteria: DASA Assertion Criteria. Collection method: clinical testing. Allele origin: germline. Not counted in ClinVar's aggregate classification.
Comment: NM_001034853.2(RPGR):c.1243_1244del (p.Arg415Glyfs*37) is a frameshift variant in RPGR predicted to alter the reading frame and introduce a premature termination codon and is predicted to result in an absent or altered protein product. Loss of function is an established disease mechanism for RPGR-associated disorders. This variant has been reported in individuals with RPGR-related disorders (PMID: 14516808). Segregation data support an association with disease in the reported family/families (PMID: 14516808). Also, this variant is absent from population databases. Based on the currently available evidence, this variant is classified as pathogenic.

Labcorp Genetics (formerly Invitae), Labcorp
Classification: Pathogenic for Primary ciliary dyskinesia. Last evaluated: 2024-04-09. Review status: criteria provided, single submitter. Criteria: Invitae Variant Classification Sherloc (09022015). Collection method: clinical testing. Allele origin: germline. Not counted in ClinVar's aggregate classification.
Comment: This sequence change creates a premature translational stop signal (p.Arg415Glyfs*37) in the RPGR gene. It is expected to result in an absent or disrupted protein product. Loss-of-function variants in RPGR are known to be pathogenic (PMID: 16055928, 16969763). This variant is not present in population databases (gnomAD no frequency). This premature translational stop signal has been observed in individual(s) with clinical features of retinitis pigmentosa (PMID: 14516808, 28322733, 30924848, 31953110). It has also been observed to segregate with disease in related individuals. ClinVar contains an entry for this variant (Variation ID: 812418). For these reasons, this variant has been classified as Pathogenic.

Blueprint Genetics
Classification: Pathogenic for RPGR-related disorders. Last evaluated: 2021-04-15. Review status: criteria provided, single submitter. Criteria: ACMG Guidelines, 2015. Collection method: clinical testing. Allele origin: germline. Affected: yes. Observed: 5 variant alleles. Not counted in ClinVar's aggregate classification.

Ambry Genetics
Classification: Pathogenic for Primary ciliary dyskinesia. Last evaluated: 2021-03-22. Review status: criteria provided, single submitter. Criteria: Ambry Variant Classification Scheme 2023. Collection method: clinical testing. Allele origin: germline. Not counted in ClinVar's aggregate classification.
Comment: The c.1243_1244delAG pathogenic mutation, located in coding exon 10 of the RPGR gene, results from a deletion of two nucleotides at nucleotide positions 1243 to 1244, causing a translational frameshift with a predicted alternate stop codon (p.R415Gfs*37). This mutation was identified in multiple families with individuals diagnosed with retinitis pigmentosa (Sullivan LS et al. Invest. Ophthalmol. Vis. Sci., 2013 Sep;54:6255-61; Tee JJL et al. Am. J. Ophthalmol., 2017 Jun;178:18-26; Costa KA et al. Int J Retina Vitreous, 2017 Sep;3:33). In one family, this mutation was identified in 15 affected individuals with a varying visual phenotypes; some individuals also had hearing loss (Koenekoop RK et al. Am. J. Ophthalmol., 2003 Oct;136:678-87). In addition to the clinical data presented in the literature, this alteration is expected to result in loss of function by premature protein truncation or nonsense-mediated mRNA decay. As such, this alteration is interpreted as a disease-causing mutation.

PreventionGenetics, part of Exact Sciences
Classification: Pathogenic. Last evaluated: 2016-09-27. Review status: criteria provided, single submitter. Criteria: ACMG Guidelines, 2015. Collection method: clinical testing. Allele origin: germline. Not counted in ClinVar's aggregate classification.

Sharon lab, Hadassah-Hebrew University Medical Center
Classification: Pathogenic for Retinitis pigmentosa. Last evaluated: 2019-06-23. Review status: no assertion criteria provided. Collection method: research. Allele origin: inherited. Affected: yes. Not counted in ClinVar's aggregate classification.

Literature cited by the submitters: PubMed 14516808 (cited by 3 submitters); PubMed 28322733 (cited by 3 submitters); PubMed 30924848 (cited by Dasa and Labcorp Genetics (formerly Invitae), Labcorp); PubMed 31953110 (cited by Dasa and Labcorp Genetics (formerly Invitae), Labcorp); PubMed 16055928 (cited by Labcorp Genetics (formerly Invitae), Labcorp); PubMed 16969763 (cited by Labcorp Genetics (formerly Invitae), Labcorp); PubMed 23950152 (cited by Ambry Genetics); PubMed 28912962 (cited by Ambry Genetics).

NM_001034853.2(RPGR):c.1243_1244del (p.Arg415fs)

Gene: RPGR (retinitis pigmentosa GTPase regulator; minus strand). Cytogenetic location: Xp11.4.
Variant type: Microsatellite.
Coding change: c.1243_1244del on transcript NM_001034853.2 (MANE Select); coding-DNA positions 1243 to 1244, 2 bases deleted (AG; older notation c.1243_1244delAG).
Protein change: p.Arg415fs; shifts the reading frame from arginine 415.
Molecular consequence: frameshift variant. On other transcripts: non-coding transcript variant (6), intron variant (2).
Genome position (GRCh38, 1-based): chrX:38,298,957-38,298,958, CT deleted on the plus strand (AG on the coding strand, the reverse complement: RPGR is on the minus strand); deleting any 2 consecutive bases within chrX:38,298,957-38,298,964 gives the same sequence; the c. name uses the placement nearest the transcript's 3' end. VCF-style (leftmost placement, unchanged base first): chrX-38298956-CCT-C. GRCh37 (hg19) VCF-style: chrX-38158209-CCT-C.
Other names: NM_001034853.2(RPGR):c.1243_1244del; p.Arg415fs; c.1243_1244del (NM_001034853.1); c.1243_1244del, p.Arg415fs (NM_000328.3, NM_001367247.1); c.1240_1241del, p.Arg414fs (NM_001367245.1, NM_001367249.1, NM_001367250.1); c.1273_1274del, p.Arg425fs (NM_001367248.1); c.1060-1512AG[3] (NM_001367251.1, NM_001367246.1); short protein forms R414fs, R415fs, R425fs.
Identifiers: ClinVar variation 812418 (VCV000812418.19), dbSNP rs281865302, ClinGen allele CA915951016.